The following is an entry in ClinVar:

NM_004415.4(DSP):c.1282A>G (p.Ile428Val)

Gene: DSP (desmoplakin; plus strand). Cytogenetic location: 6p24.3.
Variant type: single nucleotide variant.
Coding change: c.1282A>G on transcript NM_004415.4 (MANE Select); coding-DNA position 1282, A replaced by G.
Protein change: p.Ile428Val; replaces isoleucine 428 with valine.
Molecular consequence: missense variant.
Genome position (GRCh38, 1-based): chr6:7,568,452, A>G. VCF-style: chr6-7568452-A-G. GRCh37 (hg19) VCF-style: chr6-7568685-A-G.
Other names: c.1282A>G, p.Ile428Val (NM_001008844.3, NM_001319034.2, NM_001406591.1); short protein forms I428V.
Identifiers: ClinVar variation 2928558 (VCV002928558.3), dbSNP rs2533883880, ClinGen allele CA362676314.

ClinVar aggregate classification (germline): Uncertain significance (1 of 4 stars; one submission).

Conditions:
Arrhythmogenic cardiomyopathy with wooly hair and keratoderma. Also called: Arrhythmogenic cardiomyopathy with woolly hair and keratoderma; Dilated cardiomyopathy with woolly hair and keratoderma; PALMOPLANTAR KERATODERMA WITH LEFT VENTRICULAR CARDIOMYOPATHY AND WOOLLY HAIR; Carvajal syndrome. Identifiers: Orphanet 65282, MedGen C1854063, MONDO:0011581, OMIM 605676.
Arrhythmogenic right ventricular dysplasia 8 (ARVD8). Also called: Arrhythmogenic Right Ventricular Dysplasia/Cardiomyopathy 8; ARRHYTHMOGENIC RIGHT VENTRICULAR DYSPLASIA, FAMILIAL, 8; ARRHYTHMOGENIC RIGHT VENTRICULAR CARDIOMYOPATHY 8. Identifiers: MedGen C1843896, MONDO:0011831, OMIM 607450.

Submission:

Labcorp Genetics (formerly Invitae), Labcorp
Classification: Uncertain significance for Arrhythmogenic cardiomyopathy with wooly hair and keratoderma; Arrhythmogenic right ventricular dysplasia 8. Last evaluated: 2023-12-23. Review status: criteria provided, single submitter. Criteria: Invitae Variant Classification Sherloc (09022015). Collection method: clinical testing. Allele origin: germline.
Comment: This sequence change replaces isoleucine, which is neutral and non-polar, with valine, which is neutral and non-polar, at codon 428 of the DSP protein (p.Ile428Val). This variant is not present in population databases (gnomAD no frequency). This variant has not been reported in the literature in individuals affected with DSP-related conditions. An algorithm developed to predict the effect of missense changes on protein structure and function (PolyPhen-2) suggests that this variant is likely to be disruptive. In summary, the available evidence is currently insufficient to determine the role of this variant in disease. Therefore, it has been classified as a Variant of Uncertain Significance.